The following is an entry in ClinVar:

ClinVar aggregate classification (germline): Uncertain significance. Review status: criteria provided, multiple submitters, no conflicts (2 of 4 stars). 2 submissions from 2 submitters: Uncertain significance (2). Last evaluated 2025-05-08.

Conditions:
Arrhythmogenic right ventricular dysplasia 13. Also called: ARRHYTHMOGENIC RIGHT VENTRICULAR CARDIOMYOPATHY 13; Arrhythmogenic right ventricular dysplasia, familial, 13. Identifiers: MedGen C3810138, MONDO:0000908, OMIM 615616.

gnomAD v4.1: 18 of 1,613,836 alleles (0.0011%); highest among the groups gnomAD compares: Non-Finnish European, 0.0013%; no homozygotes.

Submissions (2):

Ambry Genetics
Classification: Uncertain significance. Last evaluated: 2025-05-08. Review status: criteria provided, single submitter. Criteria: Ambry Variant Classification Scheme 2023. Collection method: clinical testing. Allele origin: germline.
Comment: The p.V62L variant (also known as c.184G>T), located in coding exon 2 of the CTNNA3 gene, results from a G to T substitution at nucleotide position 184. The valine at codon 62 is replaced by leucine, an amino acid with highly similar properties. This amino acid position is conserved. In addition, this alteration is predicted to be tolerated by in silico analysis. Based on the available evidence, the clinical significance of this variant remains unclear.

Labcorp Genetics (formerly Invitae), Labcorp
Classification: Uncertain significance for Arrhythmogenic right ventricular dysplasia 13. Last evaluated: 2025-04-20. Review status: criteria provided, single submitter. Criteria: Invitae Variant Classification Sherloc (09022015). Collection method: clinical testing. Allele origin: germline.
Comment: This sequence change replaces valine, which is neutral and non-polar, with leucine, which is neutral and non-polar, at codon 62 of the CTNNA3 protein (p.Val62Leu). This variant is present in population databases (rs779408195, gnomAD 0.002%). This variant has not been reported in the literature in individuals affected with CTNNA3-related conditions. Invitae Evidence Modeling of protein sequence and biophysical properties (such as structural, functional, and spatial information, amino acid conservation, physicochemical variation, residue mobility, and thermodynamic stability) indicates that this missense variant is not expected to disrupt CTNNA3 protein function with a negative predictive value of 80%. In summary, the available evidence is currently insufficient to determine the role of this variant in disease. Therefore, it has been classified as a Variant of Uncertain Significance.

NM_013266.4(CTNNA3):c.184G>T (p.Val62Leu)

Gene: CTNNA3 (catenin alpha 3; minus strand). Cytogenetic location: 10q21.3.
Variant type: single nucleotide variant.
Coding change: c.184G>T on transcript NM_013266.4 (MANE Select); coding-DNA position 184, G replaced by T.
Protein change: p.Val62Leu; replaces valine 62 with leucine.
Molecular consequence: missense variant.
Genome position (GRCh38, 1-based): chr10:67,606,965, C>A on the plus strand (G>T on the coding strand, the complement: CTNNA3 is on the minus strand). VCF-style: chr10-67606965-C-A. GRCh37 (hg19) VCF-style: chr10-69366723-C-A.
Other names: c.184G>T, p.Val62Leu (NM_001127384.3); c.220G>T, p.Val74Leu (NM_001291133.2); short protein forms V62L, V74L.
Identifiers: ClinVar variation 4008022 (VCV004008022.2).